The following is an entry in ClinVar:

NM_020738.4(KIDINS220):c.3919C>T (p.Arg1307Cys)

Gene: KIDINS220 (kinase D interacting substrate 220; minus strand). Cytogenetic location: 2p25.1.
Variant type: single nucleotide variant.
Coding change: c.3919C>T on transcript NM_020738.4 (MANE Select); coding-DNA position 3919, C replaced by T.
Protein change: p.Arg1307Cys; replaces arginine 1307 with cysteine.
Molecular consequence: missense variant. On other transcripts: non-coding transcript variant (2).
Genome position (GRCh38, 1-based): chr2:8,733,578, G>A on the plus strand (C>T on the coding strand, the complement: KIDINS220 is on the minus strand). VCF-style: chr2-8733578-G-A. GRCh37 (hg19) VCF-style: chr2-8873708-G-A.
Other names: c.3922C>T, p.Arg1308Cys (NM_001348729.2); c.3865C>T, p.Arg1289Cys (NM_001348731.2); c.3862C>T, p.Arg1288Cys (NM_001348732.2, NM_001348738.2); c.3751C>T, p.Arg1251Cys (NM_001348734.2, NM_001348739.2, NM_001348740.2); c.3748C>T, p.Arg1250Cys (NM_001348735.2, NM_001348741.2, NM_001348742.2 and 1 more transcripts); c.3622C>T, p.Arg1208Cys (NM_001348736.2); c.3919C>T (NM_020738.2); short protein forms R1208C, R1250C, R1251C, R1288C, R1289C, R1307C, R1308C.
Identifiers: ClinVar variation 1528271 (VCV001528271.11), dbSNP rs201958999, ClinGen allele CA1519477.

ClinVar aggregate classification (germline): Likely benign. Review status: criteria provided, multiple submitters, no conflicts (2 of 4 stars). 3 submissions from 3 submitters: Likely benign (2). 1 of the submissions does not count toward it. Last evaluated 2025-10-08.

Conditions:
KIDINS220-related disorder. Also called: KIDINS220-related condition.
Inborn genetic diseases. Identifiers: MedGen C0950123, MeSH D030342.

Allele frequency attached by ClinVar (database versions not stated): gnomAD exomes 0.00009 and 0.00019; ExAC 0.00022; ESP Exome Variant Server 0.00056; 1000 Genomes Project 0.00060; 1000 Genomes Project 30x 0.00062; gnomAD 0.00066 and 0.00071; TOPMed 0.00083.
gnomAD v4.1: 235 of 1,614,058 alleles (0.015%); highest among the groups gnomAD compares: African/African-American, 0.26%; no homozygotes.

Submissions (3):

Labcorp Genetics (formerly Invitae), Labcorp
Classification: Likely benign. Last evaluated: 2025-10-08. Review status: criteria provided, single submitter. Criteria: Invitae Variant Classification Sherloc (09022015). Collection method: clinical testing. Allele origin: germline.

Ambry Genetics
Classification: Likely benign for Inborn genetic diseases. Last evaluated: 2023-06-02. Review status: criteria provided, single submitter. Criteria: Ambry Variant Classification Scheme 2023. Collection method: clinical testing. Allele origin: germline.

PreventionGenetics, part of Exact Sciences
Classification: Likely benign for KIDINS220-related condition. Last evaluated: 2021-07-02. Review status: no assertion criteria provided. Collection method: clinical testing. Allele origin: germline. Not counted in ClinVar's aggregate classification.
Comment: This variant is classified as likely benign based on ACMG/AMP sequence variant interpretation guidelines (Richards et al. 2015 PMID: 25741868, with internal and published modifications).